The following is an entry in ClinVar:

ClinVar aggregate classification (germline): Benign/Likely benign. Review status: criteria provided, multiple submitters, no conflicts (2 of 4 stars). 6 submissions from 6 submitters: Benign (2); Likely benign (2). 2 of the submissions do not count toward it. Last evaluated 2026-01-21.

Allele frequency attached by ClinVar (database versions not stated): 1000 Genomes Project 30x 0.00047; 1000 Genomes Project 0.00060; ESP Exome Variant Server 0.00131; TOPMed 0.00162; gnomAD exomes 0.00164; gnomAD 0.00179 and 0.00189; ExAC 0.00334.

Submissions (6):

Labcorp Genetics (formerly Invitae), Labcorp
Classification: Benign. Last evaluated: 2026-01-21. Review status: criteria provided, single submitter. Criteria: Invitae Variant Classification Sherloc (09022015). Collection method: clinical testing. Allele origin: germline.

CeGaT Center for Human Genetics Tuebingen
Classification: Likely benign. Last evaluated: 2025-02-01. Review status: criteria provided, single submitter. Criteria: CeGaT Center For Human Genetics Tuebingen Variant Classification Criteria Version 2. Collection method: clinical testing. Allele origin: germline. Affected: yes. Observed: 1 variant allele.
Comment: KIAA1549: BP4, BP7

Blueprint Genetics
Classification: Likely benign. Last evaluated: 2024-11-27. Review status: criteria provided, single submitter. Criteria: ACMG Guidelines, 2015. Collection method: clinical testing. Allele origin: germline.

Breakthrough Genomics
Classification: Benign. Review status: criteria provided, single submitter. Criteria: ACMG Guidelines, 2015. Collection method: not provided. Allele origin: germline. Inheritance: Autosomal recessive inheritance. Affected: yes.

Clinical Genetics DNA and cytogenetics Diagnostics Lab, Erasmus MC, Erasmus Medical Center
Classification: Likely benign. Review status: no assertion criteria provided. Collection method: clinical testing. Allele origin: germline. Affected: yes. Study: VKGL Data-share Consensus. Not counted in ClinVar's aggregate classification.

Clinical Genetics, Academic Medical Center
Classification: Benign. Review status: no assertion criteria provided. Collection method: clinical testing. Allele origin: germline. Affected: yes. Study: VKGL Data-share Consensus. Not counted in ClinVar's aggregate classification.

NM_001164665.2(KIAA1549):c.5520C>A (p.Ile1840=)

Gene: KIAA1549 (KIAA1549; minus strand). Cytogenetic location: 7q34.
Variant type: single nucleotide variant.
Coding change: c.5520C>A on transcript NM_001164665.2 (MANE Select); coding-DNA position 5520, C replaced by A.
Protein change: p.Ile1840=; no amino-acid change (isoleucine 1840 retained).
Molecular consequence: synonymous variant.
Genome position (GRCh38, 1-based): chr7:138,840,211, G>T on the plus strand (C>A on the coding strand, the complement: KIAA1549 is on the minus strand). VCF-style: chr7-138840211-G-T. GRCh37 (hg19) VCF-style: chr7-138524956-G-T.
Other names: c.5520C>A, p.Ile1840= (NM_020910.3).
Identifiers: ClinVar variation 777633 (VCV000777633.23), dbSNP rs372228871, ClinGen allele CA4505532.